The following is an entry in ClinVar:

GRCh37/hg19 11q22.3-23.3(chr11:109328787-116414966)x1

Genes: ALG9 (ALG9 alpha-1,2-mannosyltransferase; minus strand), ANKK1 (ankyrin repeat and kinase domain containing 1; plus strand), ARHGAP20 (Rho GTPase activating protein 20; minus strand), BCO2 (beta-carotene oxygenase 2; plus strand), BTG4 (BTG anti-proliferation factor 4; minus strand) and 47 more. Cytogenetic location: 11q22.3-23.3.
Variant type: copy number loss.
Change: copy number 1 (one copy instead of two) of chr11:109,328,787-116,414,966 (7.09 Mb, GRCh37 coordinates, 1-based), cytogenetic band 11q22.3-23.3.
Identifiers: ClinVar variation 1808702 (VCV001808702.1).

ClinVar aggregate classification (germline): Pathogenic (1 of 4 stars; one submission).

Submission:

Quest Diagnostics Nichols Institute San Juan Capistrano
Classification: Pathogenic. Last evaluated: 2022-06-17. Review status: criteria provided, single submitter. Criteria: ACMG/ClinGen CNV Guidelines, 2019. Collection method: clinical testing. Allele origin: unknown.
Comment: This deletion of 11q22.3q23.3 involves numerous protein-coding genes, including SDHD (OMIM 602690). Haploinsufficiency of SDHD is associated with autosomal dominant paragangliomas-1 (PGL1; OMIM 168000), which is characterized by the formation of tumors derived from paraganglia throughout the body. In addition, interstitial 11q23 deletions, including a slightly bigger (8 Mb) interstitial deletion that fully encompasses the current deletion, have been reported in patients intellectual disability, short stature, craniofacial dysmorphisms consist of microcephaly (Fisher et al., J Med Genet. 2008 Nov;45(11):731-7. PMID: 18611983; Syrrou et al., J Med Genet. 2001 Sep;38(9):621-4. PMID: 11565549; Pater et al., Genet Couns. 1997;8(4):335-9. PMID: 9457504). Note that the additional skeletal phenotype of the reported case with the 8 Mb 11q23 deletion was associated to an recessive phenotype due to a second allele of a deleted gene. Further, there are no similar copy number losses of this region in the general populations of the Database of Genomic Variants. Thus, this copy number variant (CNV) is classified as pathogenic.